The following is an entry in ClinVar:

ClinVar aggregate classification (germline): Conflicting classifications of pathogenicity. Review status: criteria provided, conflicting classifications (1 of 4 stars). 8 submissions from 8 submitters: Uncertain significance (1); Benign (1); Likely benign (5). 1 of the submissions does not count toward it. Last evaluated 2026-04-01.

Conditions:
MYO3A-related disorder. Also called: MYO3A-related condition.
Autosomal recessive nonsyndromic hearing loss 30. Identifiers: Orphanet 90636, MedGen C1846784, MONDO:0011774, OMIM 607101.

Allele frequency attached by ClinVar (database versions not stated): 1000 Genomes Project 30x 0.00094; 1000 Genomes Project 0.00100; TOPMed 0.00206; gnomAD 0.00210 and 0.00218; ExAC 0.00219; gnomAD exomes 0.00221 and 0.00359; ESP Exome Variant Server 0.00315.
gnomAD v4.1: 5,529 of 1,612,384 alleles (0.34%); highest among the groups gnomAD compares: Non-Finnish European, 0.44%; 13 homozygotes.

Submissions (8):

CeGaT Center for Human Genetics Tuebingen
Classification: Likely benign. Last evaluated: 2026-04-01. Review status: criteria provided, single submitter. Criteria: CeGaT Center For Human Genetics Tuebingen Variant Classification Criteria Version 2. Collection method: clinical testing. Allele origin: germline. Affected: yes. Observed: 7 variant alleles.
Comment: MYO3A: BS2

Labcorp Genetics (formerly Invitae), Labcorp
Classification: Likely benign. Last evaluated: 2026-01-06. Review status: criteria provided, single submitter. Criteria: Invitae Variant Classification Sherloc (09022015). Collection method: clinical testing. Allele origin: germline.

Blueprint Genetics
Classification: Likely benign. Last evaluated: 2024-11-26. Review status: criteria provided, single submitter. Criteria: ACMG Guidelines, 2015. Collection method: clinical testing. Allele origin: germline.

GeneDx
Classification: Likely benign. Last evaluated: 2020-09-24. Review status: criteria provided, single submitter. Criteria: GeneDx Variant Classification Process June 2021. Collection method: clinical testing. Allele origin: germline. Affected: yes.

Illumina Laboratory Services, Illumina
Classification: Uncertain significance for Autosomal recessive nonsyndromic hearing loss 30. Last evaluated: 2018-01-13. Review status: criteria provided, single submitter. Criteria: ICSL Variant Classification Criteria 13 December 2019. Collection method: clinical testing. Allele origin: germline.

Eurofins Ntd Llc (ga)
Classification: Likely benign. Last evaluated: 2015-03-03. Review status: criteria provided, single submitter. Criteria: EGL Classification Definitions 2015. Collection method: clinical testing. Allele origin: germline. Observed: 1 variant allele, 1 heterozygote.

Laboratory for Molecular Medicine, Mass General Brigham Personalized Medicine
Classification: Benign. Last evaluated: 2012-04-30. Review status: criteria provided, single submitter. Criteria: LMM Criteria. Collection method: clinical testing. Allele origin: germline. Observed: 11 variant alleles.
Comment: Ala520Val in Exon 15 of MYO3A: This variant is not expected to have clinical sig nificance because it has been identified in 0.4% (27/7020) of European American chromosomes from a broad population by the NHLBI Exome Sequencing Project (dbSNP rs72787346).

PreventionGenetics, part of Exact Sciences
Classification: Likely benign for MYO3A-related condition. Last evaluated: 2022-09-14. Review status: no assertion criteria provided. Collection method: clinical testing. Allele origin: germline. Not counted in ClinVar's aggregate classification.
Comment: This variant is classified as likely benign based on ACMG/AMP sequence variant interpretation guidelines (Richards et al. 2015 PMID: 25741868, with internal and published modifications).

NM_017433.5(MYO3A):c.1559C>T (p.Ala520Val)

Gene: MYO3A (myosin IIIA; plus strand). Cytogenetic location: 10p12.1.
Variant type: single nucleotide variant.
Coding change: c.1559C>T on transcript NM_017433.5 (MANE Select); coding-DNA position 1559, C replaced by T.
Protein change: p.Ala520Val; replaces alanine 520 with valine.
Molecular consequence: missense variant.
Genome position (GRCh38, 1-based): chr10:26,088,402, C>T. VCF-style: chr10-26088402-C-T. GRCh37 (hg19) VCF-style: chr10-26377331-C-T.
Other names: short protein forms A520V.
Identifiers: ClinVar variation 45799 (VCV000045799.56), dbSNP rs72787346, ClinGen allele CA137061.